The following is an entry in ClinVar:

ClinVar aggregate classification (germline): Uncertain significance. Review status: criteria provided, multiple submitters, no conflicts (2 of 4 stars). 4 submissions from 4 submitters: Uncertain significance (4). Last evaluated 2025-06-17.

Conditions:
XFE progeroid syndrome (XFEPS). Also called: XPF-ERCC1 PROGEROID SYNDROME. Identifiers: MedGen C1970416, MONDO:0012590, OMIM 610965.
Xeroderma pigmentosum, group F (XPF). Also called: XERODERMA PIGMENTOSUM VI; XP, GROUP F; ERCC4-Related Xeroderma Pigmentosum; XERODERMA PIGMENTOSUM, TYPE F; Xeroderma pigmentosum, type 6; XERODERMA PIGMENTOSUM, COMPLEMENTATION GROUP F. Identifiers: MedGen C0268140, MONDO:0010215, OMIM 278760.
Fanconi anemia complementation group Q. Identifiers: Orphanet 84, MedGen C3808988, MONDO:0014108, OMIM 615272.
Inborn genetic diseases. Identifiers: MedGen C0950123, MeSH D030342.
Cockayne syndrome. Identifiers: Orphanet 191, MedGen C0009207, MONDO:0016006.

Allele frequency attached by ClinVar (database versions not stated): gnomAD 0.00001; ExAC 0.00002.

Submissions (4):

St. Jude Molecular Pathology, St. Jude Children's Research Hospital
Classification: Uncertain significance for Xeroderma pigmentosum, group F. Last evaluated: 2025-06-17. Review status: criteria provided, single submitter. Criteria: St. Jude Assertion Criteria 2020. Collection method: clinical testing. Allele origin: germline.
Comment: The ERCC4 c.34A>G p.(Met12Val) missense change has a maximum subpopulation frequency of 0.0086% in gnomAD v2.1.1. The in silico tool REVEL predicts a benign effect on protein function, but to our knowledge this prediction has not been confirmed by functional studies. To our knowledge, this variant has not been reported in individuals with Fanconi anemia or Xeroderma pigmentosum. In summary, the evidence currently available is i nsufficient to determine the clinical significance of this variant. It has therefore been classified as of uncertain significance.

Ambry Genetics
Classification: Uncertain significance for Inborn genetic diseases. Last evaluated: 2024-12-17. Review status: criteria provided, single submitter. Criteria: Ambry Variant Classification Scheme 2023. Collection method: clinical testing. Allele origin: germline.

Fulgent Genetics
Classification: Uncertain significance for Xeroderma pigmentosum, group F; XFE progeroid syndrome; Fanconi anemia complementation group Q. Last evaluated: 2024-05-29. Review status: criteria provided, single submitter. Criteria: ACMG Guidelines, 2015. Collection method: clinical testing. Allele origin: germline.

Labcorp Genetics (formerly Invitae), Labcorp
Classification: Uncertain significance for Fanconi anemia complementation group Q; Xeroderma pigmentosum, group F; Cockayne syndrome. Last evaluated: 2022-02-22. Review status: criteria provided, single submitter. Criteria: Invitae Variant Classification Sherloc (09022015). Collection method: clinical testing. Allele origin: germline.
Comment: In summary, the available evidence is currently insufficient to determine the role of this variant in disease. Therefore, it has been classified as a Variant of Uncertain Significance. Algorithms developed to predict the effect of missense changes on protein structure and function (SIFT, PolyPhen-2, Align-GVGD) all suggest that this variant is likely to be tolerated. This variant has not been reported in the literature in individuals affected with ERCC4-related conditions. This variant is present in population databases (rs750358005, gnomAD 0.01%). This sequence change replaces methionine, which is neutral and non-polar, with valine, which is neutral and non-polar, at codon 12 of the ERCC4 protein (p.Met12Val).

NM_005236.3(ERCC4):c.34A>G (p.Met12Val)

Genes: ERCC4 (ERCC excision repair 4, endonuclease catalytic subunit; plus strand), LOC130058543 (ATAC-STARR-seq lymphoblastoid active region 10486; plus strand). Cytogenetic location: 16p13.12.
Variant type: single nucleotide variant.
Coding change: c.34A>G on transcript NM_005236.3 (MANE Select); coding-DNA position 34, A replaced by G.
Protein change: p.Met12Val; replaces methionine 12 with valine.
Molecular consequence: missense variant.
Genome position (GRCh38, 1-based): chr16:13,920,199, A>G. VCF-style: chr16-13920199-A-G. GRCh37 (hg19) VCF-style: chr16-14014056-A-G.
Other names: short protein forms M12V.
Identifiers: ClinVar variation 2144285 (VCV002144285.7), dbSNP rs750358005, ClinGen allele CA7910069.
Genomic context (GRCh38, chr16:13,920,199, plus strand): 5'-GTTCGGCTGCGACCCGGAAGAGCTTCCATGGAGTCAGGGCAGCCGGCTCGACGGATTGCC[A>G]TGGCGCCGCTGCTGGAGTACGAGCGACAGCTGGTGCTGGAACTGCTCGACACTGACGGGC-3'
Protein context (NP_005227.1, residues 2-22): ESGQPARRIA[Met12Val]APLLEYERQL